The following is an entry in ClinVar:

NM_006265.3(RAD21):c.498T>A (p.Asp166Glu)

Gene: RAD21 (RAD21 cohesin complex component; minus strand). Cytogenetic location: 8q24.11.
Variant type: single nucleotide variant.
Coding change: c.498T>A on transcript NM_006265.3 (MANE Select); coding-DNA position 498, T replaced by A.
Protein change: p.Asp166Glu; replaces aspartic acid 166 with glutamic acid.
Molecular consequence: missense variant.
Genome position (GRCh38, 1-based): chr8:116,857,457, A>T on the plus strand (T>A on the coding strand, the complement: RAD21 is on the minus strand). VCF-style: chr8-116857457-A-T. GRCh37 (hg19) VCF-style: chr8-117869696-A-T.
Other names: short protein forms D166E.
Identifiers: ClinVar variation 4996883 (VCV004996883.1).

ClinVar aggregate classification (germline): Likely pathogenic (1 of 4 stars; one submission).

Conditions:
RAD21-related disorder. Also called: RAD21- Related disorders; RAD21-related condition.

Submission:

PreventionGenetics, part of Exact Sciences
Classification: Likely pathogenic for RAD21-related condition. Last evaluated: 2024-12-18. Review status: criteria provided, single submitter. Criteria: ACMG Guidelines, 2015. Collection method: clinical testing. Allele origin: germline.
Comment: The RAD21 c.498T>A variant is predicted to result in the amino acid substitution p.Asp166Glu. To our knowledge, this variant has not been reported in the literature or in a large population database (gnomAD), indicating this variant is rare. An alternate nucleotide change affecting the same amino acid (c.497A>G, p.Asp166Gly) has been reported in an individual affected with developmental delay, hypotonia, microcephaly, FTT, feeding difficulties, and distinctive facial features (Khalaf. 2024. PubMed ID: 38438125). This variant is interpreted as likely pathogenic.